The following is an entry in ClinVar:

ClinVar aggregate classification (germline): Uncertain significance (1 of 4 stars; one submission).

Conditions:
Jeune thoracic dystrophy. Also called: Jeune syndrome; Infantile thoracic dystrophy; Thoracic pelvic phalangeal dystrophy; Jeune's syndrome; Chondroectodermal dysplasia-like syndrome; Short-rib thoracic dysplasia. Identifiers: Orphanet 474, MedGen C0265275, MONDO:0018770.

Submission:

Labcorp Genetics (formerly Invitae), Labcorp
Classification: Uncertain significance for Jeune thoracic dystrophy. Last evaluated: 2022-08-23. Review status: criteria provided, single submitter. Criteria: Invitae Variant Classification Sherloc (09022015). Collection method: clinical testing. Allele origin: germline.
Comment: This variant has not been reported in the literature in individuals affected with IFT80-related conditions. In summary, the available evidence is currently insufficient to determine the role of this variant in disease. Therefore, it has been classified as a Variant of Uncertain Significance. Algorithms developed to predict the effect of sequence changes on RNA splicing suggest that this variant may disrupt the consensus splice site. Algorithms developed to predict the effect of missense changes on protein structure and function are either unavailable or do not agree on the potential impact of this missense change (SIFT: "Deleterious"; PolyPhen-2: "Benign"; Align-GVGD: "Class C25"). This variant is not present in population databases (gnomAD no frequency). This sequence change replaces glutamine, which is neutral and polar, with leucine, which is neutral and non-polar, at codon 183 of the IFT80 protein (p.Gln183Leu).

NM_020800.3(IFT80):c.548A>T (p.Gln183Leu)

Genes: IFT80 (intraflagellar transport 80; minus strand), TRIM59-IFT80 (TRIM59-IFT80 readthrough (NMD candidate); minus strand). Cytogenetic location: 3q25.33.
Variant type: single nucleotide variant.
Coding change: c.548A>T on transcript NM_020800.3 (MANE Select); coding-DNA position 548, A replaced by T.
Protein change: p.Gln183Leu; replaces glutamine 183 with leucine.
Molecular consequence: missense variant. On other transcripts: non-coding transcript variant (3).
Genome position (GRCh38, 1-based): chr3:160,366,044, T>A on the plus strand (A>T on the coding strand, the complement: IFT80 is on the minus strand). VCF-style: chr3-160366044-T-A. GRCh37 (hg19) VCF-style: chr3-160083832-T-A.
Other names: c.137A>T, p.Gln46Leu (NM_001190241.2, NM_001190242.2); short protein forms Q46L, Q183L.
Identifiers: ClinVar variation 1974152 (VCV001974152.5), dbSNP rs2473456469, ClinGen allele CA355193190.